The following is an entry in ClinVar:

NM_000535.7(PMS2):c.2523del (p.Pro840_Trp841insTer)

Gene: PMS2 (PMS1 homolog 2, mismatch repair system component; minus strand). Cytogenetic location: 7p22.1.
Variant type: Deletion.
Coding change: c.2523del on transcript NM_000535.7 (MANE Select); coding-DNA position 2523, one base deleted (G; older notation c.2523delG).
Protein change: p.Pro840_Trp841insTer.
Molecular consequence: nonsense. On other transcripts: frameshift variant (1), non-coding transcript variant (1).
Genome position (GRCh38, 1-based): chr7:5,973,465, C deleted on the plus strand (G on the coding strand, the reverse complement: PMS2 is on the minus strand); the first of 2 consecutive C bases (chr7:5,973,465-5,973,466); deleting either gives the same sequence. VCF-style (leftmost placement, unchanged base first): chr7-5973464-TC-T. GRCh37 (hg19) VCF-style: chr7-6013095-TC-T.
Other names: c.2117delG, p.Trp706Terfs (NM_001018040.1); c.2118del, p.Pro705_Trp706insTer (NM_001322003.2, NM_001322004.2, NM_001322005.2 and 11 more transcripts); c.2367del, p.Pro788_Trp789insTer (NM_001322006.2); c.2205del, p.Pro734_Trp735insTer (NM_001322007.2, NM_001322008.2, NM_001406883.1); c.2151del, p.Pro716_Trp717insTer (NM_001322009.2, NM_001406887.1, NM_001406888.1); c.1962del, p.Pro653_Trp654insTer (NM_001322010.2, NM_001406906.1, NM_001406907.1); c.1590del, p.Pro529_Trp530insTer (NM_001322011.2, NM_001322012.2); c.1950del, p.Pro649_Trp650insTer (NM_001322013.2, NM_001406908.1, NM_001406909.1); and 21 more.
Identifiers: ClinVar variation 2809241 (VCV002809241.3), dbSNP rs2535187362, ClinGen allele CA2578823595.

ClinVar aggregate classification (germline): Pathogenic (1 of 4 stars; one submission).

Conditions:
Hereditary nonpolyposis colorectal neoplasms. Identifiers: MedGen C0009405, MeSH D003123.

Submission:

Labcorp Genetics (formerly Invitae), Labcorp
Classification: Pathogenic for Hereditary nonpolyposis colorectal neoplasms. Last evaluated: 2024-04-10. Review status: criteria provided, single submitter. Criteria: Invitae Variant Classification Sherloc (09022015). Collection method: clinical testing. Allele origin: germline.
Comment: This sequence change creates a premature translational stop signal (p.Trp841*) in the PMS2 gene. While this is not anticipated to result in nonsense mediated decay, it is expected to disrupt the last 22 amino acid(s) of the PMS2 protein. The frequency data for this variant in the population databases (gnomAD) is considered unreliable due to the presence of homologous sequence, such as pseudogenes or paralogs, in the genome. This variant has not been reported in the literature in individuals affected with PMS2-related conditions. This variant disrupts a region of the PMS2 protein in which other variant(s) (p.Trp841Glyfs*10) have been determined to be pathogenic (PMID: 16338176, 20533529, 26116798, 30764633; Invitae). This suggests that this is a clinically significant region of the protein, and that variants that disrupt it are likely to be disease-causing. For these reasons, this variant has been classified as Pathogenic.

Literature cited by the submitters: PubMed 16338176; PubMed 20533529; PubMed 26116798; PubMed 30764633.